The following is an entry in ClinVar:

NM_030928.4(CDT1):c.832+1G>A

Gene: CDT1 (chromatin licensing and DNA replication factor 1; plus strand). Cytogenetic location: 16q24.3.
Variant type: single nucleotide variant.
Coding change: c.832+1G>A on transcript NM_030928.4 (MANE Select); the canonical splice donor site of the intron after coding-DNA position 832, G replaced by A.
Molecular consequence: splice donor variant.
Genome position (GRCh38, 1-based): chr16:88,805,870, G>A. VCF-style: chr16-88805870-G-A. GRCh37 (hg19) VCF-style: chr16-88872278-G-A.
Identifiers: ClinVar variation 128664 (VCV000128664.13), dbSNP rs587780305, ClinGen allele CA152253.

ClinVar aggregate classification (germline): Pathogenic/Likely pathogenic. Review status: criteria provided, multiple submitters, no conflicts (2 of 4 stars). 2 submissions from 2 submitters: Pathogenic (1); Likely pathogenic (1). Last evaluated 2019-10-30.

Conditions:
Meier-Gorlin syndrome 4 (MGORS4). Identifiers: Orphanet 2554, MedGen C3151120, MONDO:0013431, OMIM 613804.

Submissions (2):

Labcorp Genetics (formerly Invitae), Labcorp
Classification: Likely pathogenic. Last evaluated: 2019-10-30. Review status: criteria provided, single submitter. Criteria: Invitae Variant Classification Sherloc (09022015). Collection method: clinical testing. Allele origin: germline.
Comment: This variant is not present in population databases (ExAC no frequency). This sequence change affects a donor splice site in intron 5 of the CDT1 gene. It is expected to disrupt RNA splicing and likely results in an absent or disrupted protein product. This variant has not been reported in the literature in individuals with CDT1-related disease. ClinVar contains an entry for this variant (Variation ID: 128664). Algorithms developed to predict the effect of sequence changes on RNA splicing suggest that this variant may disrupt the consensus splice site, but this prediction has not been confirmed by published transcriptional studies. Donor and acceptor splice site variants typically lead to a loss of protein function (PMID: 16199547), and loss-of-function variants in CDT1 are known to be pathogenic (PMID: 21358632, 22333897). In summary, the currently available evidence indicates that the variant is pathogenic, but additional data are needed to prove that conclusively. Therefore, this variant has been classified as Likely Pathogenic.

Genetic Services Laboratory, University of Chicago
Classification: Pathogenic for Meier-Gorlin syndrome 4. Last evaluated: 2013-03-28. Review status: criteria provided, single submitter. Criteria: ACMG Guidelines, 2007. Collection method: clinical testing. Allele origin: germline. Inheritance: Autosomal recessive inheritance. Affected: yes.

Literature cited by the submitters: PubMed 16199547 (cited by Labcorp Genetics (formerly Invitae), Labcorp); PubMed 21358632 (cited by Labcorp Genetics (formerly Invitae), Labcorp); PubMed 22333897 (cited by Labcorp Genetics (formerly Invitae), Labcorp).